The following is an entry in ClinVar:

NM_199420.4(POLQ):c.4922G>A (p.Gly1641Glu)

Gene: POLQ (DNA polymerase theta; minus strand). Cytogenetic location: 3q13.33.
Variant type: single nucleotide variant.
Coding change: c.4922G>A on transcript NM_199420.4 (MANE Select); coding-DNA position 4922, G replaced by A.
Protein change: p.Gly1641Glu; replaces glycine 1641 with glutamic acid.
Molecular consequence: missense variant.
Genome position (GRCh38, 1-based): chr3:121,488,009, C>T on the plus strand (G>A on the coding strand, the complement: POLQ is on the minus strand). VCF-style: chr3-121488009-C-T. GRCh37 (hg19) VCF-style: chr3-121206856-C-T.
Other names: short protein forms G1641E.
Identifiers: ClinVar variation 3230026 (VCV003230026.1), dbSNP rs2546785362, ClinGen allele CA354093189.
Genomic context (GRCh38, chr3:121,488,009, plus strand): 5'-ATTGATTTTAGCTTTTCATTTTCTAGAGGACTGGATACTTTATCTAAAATCCTTTGCAGT[C>T]CTGGACTTAGATCAAATGATGCCCCTGACCATATGAATGAATGATTTTGCCTGGTCCCAG-3'
Protein context (NP_955452.3, residues 1631-1651): WSGASFDLSP[Gly1641Glu]LQRILDKVSS

ClinVar aggregate classification (germline): Uncertain significance (1 of 4 stars; one submission).

Submission:

Ambry Genetics
Classification: Uncertain significance. Last evaluated: 2023-10-01. Review status: criteria provided, single submitter. Criteria: Ambry Variant Classification Scheme 2023. Collection method: clinical testing. Allele origin: germline.
Comment: The p.G1641E variant (also known as c.4922G>A), located in coding exon 16 of the POLQ gene, results from a G to A substitution at nucleotide position 4922. The glycine at codon 1641 is replaced by glutamic acid, an amino acid with similar properties. This amino acid position is conserved. In addition, this alteration is predicted to be tolerated by in silico analysis. Since supporting evidence is limited at this time, the clinical significance of this alteration remains unclear.